The following is an entry in ClinVar:

NM_000069.3(CACNA1S):c.3663C>T (p.Asn1221=)

Gene: CACNA1S (calcium voltage-gated channel subunit alpha1 S; minus strand). Cytogenetic location: 1q32.1.
Variant type: single nucleotide variant.
Coding change: c.3663C>T on transcript NM_000069.3 (MANE Select); coding-DNA position 3663, C replaced by T.
Protein change: p.Asn1221=; no amino-acid change (asparagine 1221 retained).
Molecular consequence: synonymous variant.
Genome position (GRCh38, 1-based): chr1:201,054,508, G>A on the plus strand (C>T on the coding strand, the complement: CACNA1S is on the minus strand). VCF-style: chr1-201054508-G-A. GRCh37 (hg19) VCF-style: chr1-201023636-G-A.
Identifiers: ClinVar variation 699614 (VCV000699614.19), dbSNP rs773738696, ClinGen allele CA082694.

ClinVar aggregate classification (germline): Likely benign. Review status: criteria provided, multiple submitters, no conflicts (2 of 4 stars). 9 submissions from 6 submitters: Likely benign (9). Last evaluated 2025-08-29.

Conditions:
Congenital myopathy 18. Also called: DIHYDROPYRIDINE RECEPTOR CONGENITAL MYOPATHY; DHPR CONGENITAL MYOPATHY; Myopathy, congenital, due to dihydropyridine receptor defect. Identifiers: MedGen C5830283, MONDO:0859514, OMIM 620246.
Hypokalemic periodic paralysis, type 1. Also called: Hypokalemic Periodic Paralysis Type 1 (AD); HypoPP. Identifiers: Orphanet 681, MedGen C3714580, MONDO:0042979, OMIM 170400.
Malignant hyperthermia, susceptibility to, 5 (MHS5). Also called: CACNA1S-Related Malignant Hyperthermia Susceptibility. Identifiers: Orphanet 423, MedGen C1866077, MONDO:0011163, OMIM 601887.
Thyrotoxic periodic paralysis, susceptibility to, 1 (TTPP1). Identifiers: Orphanet 79102, MedGen C2749982, MONDO:0008570, OMIM 188580.
CACNA1S-related disorder. Also called: CACNA1S-related condition.

Allele frequency attached by ClinVar (database versions not stated): gnomAD 0.00001; gnomAD exomes 0.00002 and 0.00003; ExAC 0.00003; TOPMed 0.00003.
gnomAD v4.1: 32 of 1,613,670 alleles (0.002%); highest among the groups gnomAD compares: East Asian, 0.013%; no homozygotes.

Submissions (9):

PreventionGenetics, part of Exact Sciences
Classification: Likely benign for CACNA1S-related condition. Last evaluated: 2025-08-29. Review status: criteria provided, single submitter. Criteria: ACMG Guidelines, 2015. Collection method: clinical testing. Allele origin: germline.
Comment: This variant is classified as likely benign based on ACMG/AMP sequence variant interpretation guidelines (Richards et al. 2015 PMID: 25741868, with internal and published modifications).

Labcorp Genetics (formerly Invitae), Labcorp
Classification: Likely benign for Hypokalemic periodic paralysis, type 1; Malignant hyperthermia, susceptibility to, 5. Last evaluated: 2024-06-26. Review status: criteria provided, single submitter. Criteria: Invitae Variant Classification Sherloc (09022015). Collection method: clinical testing. Allele origin: germline.

All of Us Research Program, National Institutes of Health
Classification: Likely benign for Malignant hyperthermia, susceptibility to, 5. Last evaluated: 2023-11-30. Review status: criteria provided, single submitter. Criteria: ACMG Guidelines, 2015. Collection method: clinical testing. Allele origin: germline. Inheritance: Autosomal dominant inheritance. Observed: 10 variant alleles, 10 heterozygotes.
Comment: This study involves interpretation of variants in research participants for the purpose of population health screening. Participant phenotype was not available at the time of variant classification. Additional details can be found in publication PMID: 35346344, PMCID: PMC8962531

Genome-Nilou Lab
Classification: Likely benign for Malignant hyperthermia, susceptibility to, 5. Last evaluated: 2023-04-11. Review status: criteria provided, single submitter. Criteria: ACMG Guidelines, 2015. Collection method: clinical testing. Allele origin: germline. Affected: no.

Genome-Nilou Lab
Classification: Likely benign for Thyrotoxic periodic paralysis, susceptibility to, 1. Last evaluated: 2023-04-11. Review status: criteria provided, single submitter. Criteria: ACMG Guidelines, 2015. Collection method: clinical testing. Allele origin: germline. Affected: no.

Genome-Nilou Lab
Classification: Likely benign for Congenital myopathy 18. Last evaluated: 2023-04-11. Review status: criteria provided, single submitter. Criteria: ACMG Guidelines, 2015. Collection method: clinical testing. Allele origin: germline. Affected: no.

Genome-Nilou Lab
Classification: Likely benign for Hypokalemic periodic paralysis, type 1. Last evaluated: 2023-04-11. Review status: criteria provided, single submitter. Criteria: ACMG Guidelines, 2015. Collection method: clinical testing. Allele origin: germline. Affected: no.

Color Diagnostics, LLC DBA Color Health
Classification: Likely benign for Malignant hyperthermia, susceptibility to, 5. Last evaluated: 2022-11-06. Review status: criteria provided, single submitter. Criteria: ACMG Guidelines, 2015. Collection method: clinical testing. Allele origin: germline.

Illumina Laboratory Services, Illumina
Classification: Likely benign for Hypokalemic periodic paralysis, type 1. Last evaluated: 2018-01-13. Review status: criteria provided, single submitter. Criteria: ICSL Variant Classification Criteria 13 December 2019. Collection method: clinical testing. Allele origin: germline.
Comment: This variant was observed in the ICSL laboratory as part of a predisposition screen in an ostensibly healthy population. It had not been previously curated by ICSL or reported in the Human Gene Mutation Database (HGMD: prior to June 1st, 2018), and was therefore a candidate for classification through an automated scoring system. Utilizing variant allele frequency, disease prevalence and penetrance estimates, and inheritance mode, an automated score was calculated to assess if this variant is too frequent to cause the disease. Based on the score and internal cut-off values, a variant classified as likely benign is not then subjected to further curation. The score for this variant resulted in a classification of likely benign for this disease.